The following is an entry in ClinVar:

ClinVar aggregate classification (germline): Conflicting classifications of pathogenicity. Review status: criteria provided, conflicting classifications (1 of 4 stars). 3 submissions from 3 submitters: Likely pathogenic (1); Uncertain significance (2). Last evaluated 2025-11-07.

Conditions:
Tatton-Brown-Rahman overgrowth syndrome. Also called: Tall stature-intellectual disability-facial dysmorphism syndrome; Tatton-Brown-Rahman syndrome. Identifiers: Orphanet 404443, MedGen C4014545, MONDO:0014382, OMIM 615879.

Allele frequency attached by ClinVar (database versions not stated): gnomAD exomes below 0.00001; gnomAD 0.00001; ExAC 0.00002.
gnomAD v4.1: 7 of 1,612,666 alleles (0.00043%); highest among the groups gnomAD compares: Non-Finnish European, 0.00059%; no homozygotes.

Submissions (3):

GeneDx
Classification: Uncertain significance. Last evaluated: 2025-11-07. Review status: criteria provided, single submitter. Criteria: GeneDx Variant Classification Process June 2021. Collection method: clinical testing. Allele origin: germline. Affected: yes.
Comment: In silico analysis supports that this missense variant has a deleterious effect on protein structure/function; This variant is associated with the following publications: (PMID: 35904121, 40878867)

Labcorp Genetics (formerly Invitae), Labcorp
Classification: Uncertain significance for Tatton-Brown-Rahman overgrowth syndrome. Last evaluated: 2024-05-16. Review status: criteria provided, single submitter. Criteria: Invitae Variant Classification Sherloc (09022015). Collection method: clinical testing. Allele origin: germline.
Comment: This sequence change replaces isoleucine, which is neutral and non-polar, with threonine, which is neutral and polar, at codon 292 of the DNMT3A protein (p.Ile292Thr). This variant is present in population databases (rs777306476, gnomAD 0.002%). This missense change has been observed in individual(s) with Tatton–Brown–Rahman syndrome (PMID: 35904121). ClinVar contains an entry for this variant (Variation ID: 1331601). Advanced modeling of protein sequence and biophysical properties (such as structural, functional, and spatial information, amino acid conservation, physicochemical variation, residue mobility, and thermodynamic stability) performed at Invitae indicates that this missense variant is not expected to disrupt DNMT3A protein function with a negative predictive value of 80%. In summary, the available evidence is currently insufficient to determine the role of this variant in disease. Therefore, it has been classified as a Variant of Uncertain Significance.

Greenwood Genetic Center Diagnostic Laboratories, Greenwood Genetic Center
Classification: Likely pathogenic. Last evaluated: 2021-03-05. Review status: criteria provided, single submitter. Criteria: ACMG Guidelines, 2015. Collection method: clinical testing. Allele origin: germline. Affected: yes.
Comment: PS2, PM2, PS3_Moderate, PP3, PP2

Literature cited by the submitters: PubMed 35904121 (cited by Labcorp Genetics (formerly Invitae), Labcorp).

NM_022552.5(DNMT3A):c.875T>C (p.Ile292Thr)

Gene: DNMT3A (DNA methyltransferase 3 alpha; minus strand). Cytogenetic location: 2p23.3.
Variant type: single nucleotide variant.
Coding change: c.875T>C on transcript NM_022552.5 (MANE Select); coding-DNA position 875, T replaced by C.
Protein change: p.Ile292Thr; replaces isoleucine 292 with threonine.
Molecular consequence: missense variant. On other transcripts: non-coding transcript variant (1).
Genome position (GRCh38, 1-based): chr2:25,247,730, A>G on the plus strand (T>C on the coding strand, the complement: DNMT3A is on the minus strand). VCF-style: chr2-25247730-A-G. GRCh37 (hg19) VCF-style: chr2-25470599-A-G.
Other names: c.419T>C, p.Ile140Thr (NM_001320893.1); c.206T>C, p.Ile69Thr (NM_001375819.1); c.308T>C, p.Ile103Thr (NM_153759.3); c.875T>C, p.Ile292Thr (NM_175629.2); short protein forms I103T, I140T, I292T, I69T.
Identifiers: ClinVar variation 1331601 (VCV001331601.10), dbSNP rs777306476, ClinGen allele CA1556257.
Genomic context (GRCh38, chr2:25,247,730, plus strand): 5'-GACACAATGCGGCCTGGCCACCAGGAGAAGCCCCGCAGTTTCCCCCACACCAGCTCCCCA[A>G]TGCCAAAGCCCCGGCCGTCCTGGAGCCCCAAGGAGCAGAAATCATTACACAGTGGTCACG-3'
Protein context (NP_072046.2, residues 282-302): PEYEDGRGFG[Ile292Thr]GELVWGKLRG